The following is an entry in ClinVar:

NM_212482.4(FN1):c.5141C>G (p.Pro1714Arg)

Gene: FN1 (fibronectin 1; minus strand). Cytogenetic location: 2q35.
Variant type: single nucleotide variant.
Coding change: c.5141C>G on transcript NM_212482.4 (MANE Select); coding-DNA position 5141, C replaced by G.
Protein change: p.Pro1714Arg; replaces proline 1714 with arginine.
Molecular consequence: missense variant.
Genome position (GRCh38, 1-based): chr2:215,382,235, G>C on the plus strand (C>G on the coding strand, the complement: FN1 is on the minus strand). VCF-style: chr2-215382235-G-C. GRCh37 (hg19) VCF-style: chr2-216246958-G-C.
Other names: c.5141C>G, p.Pro1714Arg (NM_001306129.2, NM_001306130.2, NM_001365517.2 and 3 more transcripts); c.4868C>G, p.Pro1623Arg (NM_001306131.2, NM_001306132.2, NM_001365518.2 and 7 more transcripts); short protein forms P1623R, P1714R.
Identifiers: ClinVar variation 1464903 (VCV001464903.6), dbSNP rs756109261, ClinGen allele CA2094220.
Genomic context (GRCh38, chr2:215,382,235, plus strand): 5'-TGACTTTGAAAATGGAAACCAAGCAGTGGTTACGTACTGGTTACTGCAGTCTGAACCAGA[G>C]GCTGACTCTCTCCGCTTGGATTCTGAGCATAGACACTAACCACATACTCCACTGTGGGCT-3'
Protein context (NP_997647.2, residues 1704-1724): YAQNPSGESQ[Pro1714Arg]LVQTAVTNID

ClinVar aggregate classification (germline): Uncertain significance (1 of 4 stars; one submission).

Submission:

Labcorp Genetics (formerly Invitae), Labcorp
Classification: Uncertain significance. Last evaluated: 2025-05-12. Review status: criteria provided, single submitter. Criteria: Invitae Variant Classification Sherloc (09022015). Collection method: clinical testing. Allele origin: germline.
Comment: This sequence change replaces proline, which is neutral and non-polar, with arginine, which is basic and polar, at codon 1714 of the FN1 protein (p.Pro1714Arg). This variant is present in population databases (rs756109261, gnomAD 0.0009%). This variant has not been reported in the literature in individuals affected with FN1-related conditions. ClinVar contains an entry for this variant (Variation ID: 1464903). An algorithm developed to predict the effect of missense changes on protein structure and function (PolyPhen-2) suggests that this variant is likely to be disruptive. In summary, the available evidence is currently insufficient to determine the role of this variant in disease. Therefore, it has been classified as a Variant of Uncertain Significance.